The following is an entry in ClinVar:

NM_000203.5(IDUA):c.1163dup (p.Ala389fs)

Gene: IDUA (alpha-L-iduronidase; plus strand). Cytogenetic location: 4p16.3.
Variant type: Duplication.
Coding change: c.1163dup on transcript NM_000203.5 (MANE Select); coding-DNA position 1163, one base duplicated (C; older notation c.1163dupC).
Protein change: p.Ala389fs; shifts the reading frame from alanine 389.
Molecular consequence: frameshift variant. On other transcripts: non-coding transcript variant (1).
Genome position (GRCh38, 1-based): chr4:1,002,459, C duplicated. VCF-style (leftmost placement, unchanged base first): chr4-1002458-A-AC. GRCh37 (hg19) VCF-style: chr4-996246-A-AC.
Other names: c.767dup, p.Ala257fs (NM_001363576.1); short protein forms A257fs, A389fs.
Identifiers: ClinVar variation 4817917 (VCV004817917.1).

ClinVar aggregate classification (germline): Likely pathogenic (1 of 4 stars; one submission).

Conditions:
Mucopolysaccharidosis type 1. Also called: IDUA deficiency; MPS I; Mucopolysaccharidosis Type I. Identifiers: Orphanet 579, MedGen C0023786, MONDO:0001586.

Submission:

Natera, Inc.
Classification: Likely pathogenic for Mucopolysaccharidosis type I. Last evaluated: 2025-08-28. Review status: criteria provided, single submitter. Criteria: Natera Variant Classification Schema (03/2026). Collection method: clinical testing. Allele origin: germline.
Comment: The c.1163dup variant in IDUA is a frameshift variant predicted to shift the reading frame beginning at codon 389 and leads to a stop codon 10 codons downstream. This variant is expected to result in nonsense mediated decay, truncation, or a dysfunctional protein product. This variant is rare in the general population with a frequency below the threshold expected for the associated phenotype(s). Given the available evidence, this variant is classified as Likely Pathogenic.